The following is an entry in ClinVar:

NM_014915.3(ANKRD26):c.1616G>C (p.Ser539Thr)

Gene: ANKRD26 (ankyrin repeat domain 26; minus strand). Cytogenetic location: 10p12.1.
Variant type: single nucleotide variant.
Coding change: c.1616G>C on transcript NM_014915.3 (MANE Select); coding-DNA position 1616, G replaced by C.
Protein change: p.Ser539Thr; replaces serine 539 with threonine.
Molecular consequence: missense variant.
Genome position (GRCh38, 1-based): chr10:27,053,339, C>G on the plus strand (G>C on the coding strand, the complement: ANKRD26 is on the minus strand). VCF-style: chr10-27053339-C-G. GRCh37 (hg19) VCF-style: chr10-27342268-C-G.
Other names: c.1616G>C, p.Ser539Thr (NM_001256053.2); short protein forms S539T.
Identifiers: ClinVar variation 4711631 (VCV004711631.1).

ClinVar aggregate classification (germline): Uncertain significance (1 of 4 stars; one submission).

Submission:

Labcorp Genetics (formerly Invitae), Labcorp
Classification: Uncertain significance. Last evaluated: 2025-07-30. Review status: criteria provided, single submitter. Criteria: Invitae Variant Classification Sherloc (09022015). Collection method: clinical testing. Allele origin: germline.
Comment: This sequence change replaces serine, which is neutral and polar, with threonine, which is neutral and polar, at codon 539 of the ANKRD26 protein (p.Ser539Thr). This variant is not present in population databases (gnomAD no frequency). This variant has not been reported in the literature in individuals affected with ANKRD26-related conditions. An algorithm developed to predict the effect of missense changes on protein structure and function (PolyPhen-2) suggests that this variant is likely to be tolerated. In summary, the available evidence is currently insufficient to determine the role of this variant in disease. Therefore, it has been classified as a Variant of Uncertain Significance.